The following is an entry in ClinVar:

NM_181426.2(CCDC39):c.2406+6G>A

Genes: CCDC39 (coiled-coil domain 39 molecular ruler complex subunit; minus strand), TTC14 (tetratricopeptide repeat domain 14; plus strand). Cytogenetic location: 3q26.33.
Variant type: single nucleotide variant.
Coding change: c.2406+6G>A on transcript NM_181426.2 (MANE Select); 6 bases into the intron after coding-DNA position 2406, G replaced by A.
Molecular consequence: intron variant.
Genome position (GRCh38, 1-based): chr3:180,616,820, C>T on the plus strand (G>A on the coding strand, the complement: CCDC39 is on the minus strand). VCF-style: chr3-180616820-C-T. GRCh37 (hg19) VCF-style: chr3-180334608-C-T.
Other names: c.1775-560C>T (NM_001288582.2).
Identifiers: ClinVar variation 1398957 (VCV001398957.4), dbSNP rs528695350, ClinGen allele CA2715686.
Genomic context (GRCh38, chr3:180,616,820, plus strand): 5'-ATGAAGGAGGATTTGGGACTTCAAAAATGTAAATATGAAAGGTCAGTTTTTAAAAGATAT[C>T]GATACCTGTTTGGTCACTCTTTCTAATTTTGGCTTCTGCTCCTCCGTTTCTTTACTTAGT-3'

ClinVar aggregate classification (germline): Uncertain significance (1 of 4 stars; one submission).

Conditions:
Primary ciliary dyskinesia. Also called: Ciliary dyskinesia. Identifiers: Orphanet 244, MedGen C0008780, MONDO:0016575, HP:0012265.

Allele frequency attached by ClinVar (database versions not stated): gnomAD 0.00004 and 0.00005; TOPMed 0.00005; 1000 Genomes Project 30x 0.00031; 1000 Genomes Project 0.00020.
gnomAD v4.1: 76 of 1,608,984 alleles (0.0047%); highest among the groups gnomAD compares: African/African-American, 0.0093%; 1 homozygote.

Submission:

Labcorp Genetics (formerly Invitae), Labcorp
Classification: Uncertain significance for Primary ciliary dyskinesia. Last evaluated: 2021-06-02. Review status: criteria provided, single submitter. Criteria: Invitae Variant Classification Sherloc (09022015). Collection method: clinical testing. Allele origin: germline.
Comment: This sequence change falls in intron 17 of the CCDC39 gene. It does not directly change the encoded amino acid sequence of the CCDC39 protein. It affects a nucleotide within the consensus splice site of the intron. This variant is present in population databases (rs528695350, ExAC 0.002%). This variant has not been reported in the literature in individuals with CCDC39-related conditions. Nucleotide substitutions within the consensus splice site are a relatively common cause of aberrant splicing (PMID: 17576681, 9536098). Algorithms developed to predict the effect of sequence changes on RNA splicing suggest that this variant may disrupt the consensus splice site, but this prediction has not been confirmed by published transcriptional studies. In summary, the available evidence is currently insufficient to determine the role of this variant in disease. Therefore, it has been classified as a Variant of Uncertain Significance.

Literature cited by the submitters: PubMed 17576681; PubMed 9536098.